The following is an entry in ClinVar:

NM_001083116.3(PRF1):c.148G>C (p.Val50Leu)

Gene: PRF1 (perforin 1; minus strand). Cytogenetic location: 10q22.1.
Variant type: single nucleotide variant.
Coding change: c.148G>C on transcript NM_001083116.3 (MANE Select); coding-DNA position 148, G replaced by C.
Protein change: p.Val50Leu; replaces valine 50 with leucine.
Molecular consequence: missense variant.
Genome position (GRCh38, 1-based): chr10:70,600,755, C>G on the plus strand (G>C on the coding strand, the complement: PRF1 is on the minus strand). VCF-style: chr10-70600755-C-G. GRCh37 (hg19) VCF-style: chr10-72360511-C-G.
Other names: c.148G>C, p.Val50Leu (NM_005041.6); short protein forms V50L.
Identifiers: ClinVar variation 2136873 (VCV002136873.2), dbSNP rs776299562, ClinGen allele CA5539118.
Genomic context (GRCh38, chr10:70,600,755, plus strand): 5'-CGGGCCGCAGGAACCTTTGTGTGTCCACTGGGAAGGAGCCCGAGCGGCGGAGGCTGGTCA[C>G]GTCCACACCCTCCCCGGCCAGCCATGCACCAGGCACGAACTTGTGGCTGCGCTTGCACTC-3'
Protein context (NP_001076585.1, residues 40-60): GAWLAGEGVD[Val50Leu]TSLRRSGSFP

ClinVar aggregate classification (germline): Uncertain significance. Review status: criteria provided, multiple submitters, no conflicts (2 of 4 stars). 2 submissions from 2 submitters: Uncertain significance (2). Last evaluated 2026-02-18.

Conditions:
Familial hemophagocytic lymphohistiocytosis 2 (FHL2). Also called: PRF1-Related Familial Hemophagocytic Lymphohistiocytosis (PRF1-fHLH). Identifiers: Orphanet 540, MedGen C1863727, MONDO:0011337, OMIM 603553.

Allele frequency attached by ClinVar (database versions not stated): gnomAD 0.00002; ExAC 0.00007.
gnomAD v4.1: 9 of 1,612,084 alleles (0.00056%); highest among the groups gnomAD compares: East Asian, 0.02%; no homozygotes.

Submissions (2):

Myriad Genetics, Inc.
Classification: Uncertain significance for Familial hemophagocytic lymphohistiocytosis 2. Last evaluated: 2026-02-18. Review status: criteria provided, single submitter. Criteria: Myriad Autosomal Dominant, Autosomal Recessive and X-Linked Classification Criteria (2023). Collection method: clinical testing. Allele origin: unknown.
Comment: NM_001083116.1(PRF1):c.148G>C(V50L) is a missense variant classified as a variant of uncertain significance in the context of familial hemophagocytic lymphohistiocytosis, PRF1-related. V50L has been observed in a case with relevant disease (PMID: 27033761). Relevant functional assessments of this variant are not available in the literature. V50L has been observed in referenced population frequency databases. In summary, there is insufficient evidence to classify NM_001083116.1(PRF1):c.148G>C(V50L) as pathogenic or benign. Please note: this variant was assessed in the context of healthy population screening.

Labcorp Genetics (formerly Invitae), Labcorp
Classification: Uncertain significance for Familial hemophagocytic lymphohistiocytosis 2. Last evaluated: 2022-06-09. Review status: criteria provided, single submitter. Criteria: Invitae Variant Classification Sherloc (09022015). Collection method: clinical testing. Allele origin: germline.
Comment: This sequence change replaces valine, which is neutral and non-polar, with leucine, which is neutral and non-polar, at codon 50 of the PRF1 protein (p.Val50Leu). This variant is present in population databases (rs776299562, gnomAD 0.06%). This missense change has been observed in individual(s) with hemophagocytic lymphohistiocytosis (PMID: 27033761). Algorithms developed to predict the effect of missense changes on protein structure and function are either unavailable or do not agree on the potential impact of this missense change (SIFT: "Deleterious"; PolyPhen-2: "Possibly Damaging"; Align-GVGD: "Class C0"). This variant disrupts the p.Val50 amino acid residue in PRF1. Other variant(s) that disrupt this residue have been determined to be pathogenic (PMID: 11179007, 14757862, 15755897, 16374518, 18190960, 19487666). This suggests that this residue is clinically significant, and that variants that disrupt this residue are likely to be disease-causing. In summary, the available evidence is currently insufficient to determine the role of this variant in disease. Therefore, it has been classified as a Variant of Uncertain Significance.

Literature cited by the submitters: PubMed 27033761 (cited by Myriad Genetics, Inc. and Labcorp Genetics (formerly Invitae), Labcorp); PubMed 11179007 (cited by Labcorp Genetics (formerly Invitae), Labcorp); PubMed 14757862 (cited by Labcorp Genetics (formerly Invitae), Labcorp); PubMed 15755897 (cited by Labcorp Genetics (formerly Invitae), Labcorp); PubMed 16374518 (cited by Labcorp Genetics (formerly Invitae), Labcorp); PubMed 18190960 (cited by Labcorp Genetics (formerly Invitae), Labcorp); PubMed 19487666 (cited by Labcorp Genetics (formerly Invitae), Labcorp).